The following is an entry in ClinVar:

ClinVar aggregate classification (germline): Uncertain significance (0 of 4 stars; one submission).

Conditions:
ADGRV1-related disorder. Also called: ADGRV1-related disorders; ADGRV1-related condition.

Submission:

PreventionGenetics, part of Exact Sciences
Classification: Uncertain significance for ADGRV1-related condition. Last evaluated: 2024-02-05. Review status: no assertion criteria provided. Collection method: clinical testing. Allele origin: germline.
Comment: The ADGRV1 c.9074A>C variant is predicted to result in the amino acid substitution p.Lys3025Thr. To our knowledge, this variant has not been reported in the literature or in a large population database, indicating this variant is rare. At this time, the clinical significance of this variant is uncertain due to the absence of conclusive functional and genetic evidence.

NM_032119.4(ADGRV1):c.9074A>C (p.Lys3025Thr)

Gene: ADGRV1 (adhesion G protein-coupled receptor V1; plus strand). Cytogenetic location: 5q14.3.
Variant type: single nucleotide variant.
Coding change: c.9074A>C on transcript NM_032119.4 (MANE Select); coding-DNA position 9074, A replaced by C.
Protein change: p.Lys3025Thr; replaces lysine 3025 with threonine.
Molecular consequence: missense variant. On other transcripts: non-coding transcript variant (1).
Genome position (GRCh38, 1-based): chr5:90,712,318, A>C. VCF-style: chr5-90712318-A-C. GRCh37 (hg19) VCF-style: chr5-90008135-A-C.
Other names: short protein forms K3025T.
Identifiers: ClinVar variation 3039855 (VCV003039855.2), dbSNP rs2531160741, ClinGen allele CA360396180.